The following is an entry in ClinVar:

ClinVar aggregate classification (germline): Uncertain significance (1 of 4 stars; one submission).

Submission:

Labcorp Genetics (formerly Invitae), Labcorp
Classification: Uncertain significance. Last evaluated: 2021-08-24. Review status: criteria provided, single submitter. Criteria: Invitae Variant Classification Sherloc (09022015). Collection method: clinical testing. Allele origin: germline.
Comment: This sequence change replaces phenylalanine with leucine at codon 139 of the IARS2 protein (p.Phe139Leu). The phenylalanine residue is moderately conserved and there is a small physicochemical difference between phenylalanine and leucine. This variant is not present in population databases (ExAC no frequency). This variant has not been reported in the literature in individuals affected with IARS2-related conditions. Algorithms developed to predict the effect of missense changes on protein structure and function are either unavailable or do not agree on the potential impact of this missense change (SIFT: "Tolerated"; PolyPhen-2: "Possibly Damaging"; Align-GVGD: "Class C0"). In summary, the available evidence is currently insufficient to determine the role of this variant in disease. Therefore, it has been classified as a Variant of Uncertain Significance.

NM_018060.4(IARS2):c.417C>G (p.Phe139Leu)

Gene: IARS2 (isoleucyl-tRNA synthetase 2, mitochondrial; plus strand). Cytogenetic location: 1q41.
Variant type: single nucleotide variant.
Coding change: c.417C>G on transcript NM_018060.4 (MANE Select); coding-DNA position 417, C replaced by G.
Protein change: p.Phe139Leu; replaces phenylalanine 139 with leucine.
Molecular consequence: missense variant.
Genome position (GRCh38, 1-based): chr1:220,100,516, C>G. VCF-style: chr1-220100516-C-G. GRCh37 (hg19) VCF-style: chr1-220273858-C-G.
Other names: short protein forms F139L.
Identifiers: ClinVar variation 1431229 (VCV001431229.3), dbSNP rs1263416901, ClinGen allele CA344622788.
Genomic context (GRCh38, chr1:220,100,516, plus strand): 5'-TGTATGAATGATAATTATCATTTTATCTTTGCAGATTTTGAAAGACATAGCCAATCGATT[C>G]CATATGATGAATGGCTCCAAAATACATTTTGTGCCCGGCTGGGATTGTCATGGGTTGCCC-3'
Protein context (NP_060530.3, residues 129-149): NKILKDIANR[Phe139Leu]HMMNGSKIHF